The following is an entry in ClinVar:

NM_001135651.3(EIF2AK2):c.1211A>G (p.Tyr404Cys)

Gene: EIF2AK2 (eukaryotic translation initiation factor 2 alpha kinase 2; minus strand). Cytogenetic location: 2p22.2.
Variant type: single nucleotide variant.
Coding change: c.1211A>G on transcript NM_001135651.3 (MANE Select); coding-DNA position 1211, A replaced by G.
Protein change: p.Tyr404Cys; replaces tyrosine 404 with cysteine.
Molecular consequence: missense variant.
Genome position (GRCh38, 1-based): chr2:37,119,996, T>C on the plus strand (A>G on the coding strand, the complement: EIF2AK2 is on the minus strand). VCF-style: chr2-37119996-T-C. GRCh37 (hg19) VCF-style: chr2-37347139-T-C.
Other names: c.1088A>G, p.Tyr363Cys (NM_001135652.3); c.1211A>G, p.Tyr404Cys (NM_002759.4); short protein forms Y363C, Y404C.
Identifiers: ClinVar variation 3370945 (VCV003370945.1).
Genomic context (GRCh38, chr2:37,119,996, plus strand): 5'-AATAAAGTACATTTTCCACTTACCTTAAGATCTCTATGAATTAATTTTTTTGAATGTATA[T>C]AATCCACCCCTTTTGTTATTTGTTCAAAGAGTTCCAAAGCCAAAACTTTGTCTAGTTTCT-3'
Protein context (NP_001129123.1, residues 394-414): LFEQITKGVD[Tyr404Cys]IHSKKLIHRD

ClinVar aggregate classification (germline): Uncertain significance (1 of 4 stars; one submission).

Submission:

GeneDx
Classification: Uncertain significance. Last evaluated: 2024-03-12. Review status: criteria provided, single submitter. Criteria: GeneDx Variant Classification Process June 2021. Collection method: clinical testing. Allele origin: germline. Affected: yes.
Comment: Not observed at significant frequency in large population cohorts (gnomAD); In silico analysis supports that this missense variant has a deleterious effect on protein structure/function; Has not been previously published as pathogenic or benign to our knowledge